The following is an entry in ClinVar:

NM_017755.6(NSUN2):c.1725_1728del (p.Ser575fs)

Gene: NSUN2 (NOP2/Sun RNA methyltransferase 2; minus strand). Cytogenetic location: 5p15.31.
Variant type: Deletion.
Coding change: c.1725_1728del on transcript NM_017755.6 (MANE Select); coding-DNA positions 1725 to 1728, 4 bases deleted (TGAG; older notation c.1725_1728delTGAG).
Protein change: p.Ser575fs; shifts the reading frame from serine 575.
Molecular consequence: frameshift variant. On other transcripts: non-coding transcript variant (1).
Genome position (GRCh38, 1-based): chr5:6,605,282-6,605,285, CTCA deleted on the plus strand (TGAG on the coding strand, the reverse complement: NSUN2 is on the minus strand); deleting any 4 consecutive bases within chr5:6,605,282-6,605,287 gives the same sequence; the c. name uses the placement nearest the transcript's 3' end. VCF-style (leftmost placement, unchanged base first): chr5-6605281-TCTCA-T. GRCh37 (hg19) VCF-style: chr5-6605394-TCTCA-T.
Other names: c.1620_1623del, p.Ser540fs (NM_001193455.2); short protein forms S540fs, S575fs.
Identifiers: ClinVar variation 834323 (VCV000834323.8), dbSNP rs762288077, ClinGen allele CA3192352.

ClinVar aggregate classification (germline): Pathogenic/Likely pathogenic. Review status: criteria provided, multiple submitters, no conflicts (2 of 4 stars). 2 submissions from 2 submitters: Pathogenic (1); Likely pathogenic (1). Last evaluated 2021-03-07.

Conditions:
Intellectual developmental disorder, autosomal recessive 5. Also called: Intellectual disability, autosomal recessive 5. Identifiers: Orphanet 88616, MedGen C1970199, MONDO:0012613, OMIM 611091.

Submissions (2):

Baylor Genetics
Classification: Likely pathogenic for Intellectual developmental disorder, autosomal recessive 5. Last evaluated: 2021-03-07. Review status: criteria provided, single submitter. Criteria: ACMG Guidelines, 2015. Collection method: clinical testing. Allele origin: unknown.

Labcorp Genetics (formerly Invitae), Labcorp
Classification: Pathogenic. Last evaluated: 2019-02-19. Review status: criteria provided, single submitter. Criteria: Invitae Variant Classification Sherloc (09022015). Collection method: clinical testing. Allele origin: germline.
Comment: For these reasons, this variant has been classified as Pathogenic. Loss-of-function variants in NSUN2 are known to be pathogenic (PMID: 22541559, 22577224). This variant has not been reported in the literature in individuals with NSUN2-related conditions. This variant is present in population databases (rs762288077, ExAC 0.01%). This sequence change creates a premature translational stop signal (p.Ser575Argfs*3) in the NSUN2 gene. It is expected to result in an absent or disrupted protein product.

Literature cited by the submitters: PubMed 22541559 (cited by Labcorp Genetics (formerly Invitae), Labcorp); PubMed 22577224 (cited by Labcorp Genetics (formerly Invitae), Labcorp).